The following is an entry in ClinVar:

NM_001281740.3(FHOD3):c.197A>G (p.Asn66Ser)

Gene: FHOD3 (formin homology 2 domain containing 3; plus strand). Cytogenetic location: 18q12.2.
Variant type: single nucleotide variant.
Coding change: c.197A>G on transcript NM_001281740.3 (MANE Select); coding-DNA position 197, A replaced by G.
Protein change: p.Asn66Ser; replaces asparagine 66 with serine.
Molecular consequence: missense variant.
Genome position (GRCh38, 1-based): chr18:36,355,570, A>G. VCF-style: chr18-36355570-A-G. GRCh37 (hg19) VCF-style: chr18-33935533-A-G.
Other names: c.197A>G, p.Asn66Ser (NM_001281739.3, NM_025135.5); c.197A>G (NM_001281740.2, NM_025135.2); short protein forms N66S.
Identifiers: ClinVar variation 3067377 (VCV003067377.23), dbSNP rs375600648, ClinGen allele CA8941183.
Genomic context (GRCh38, chr18:36,355,570, plus strand): 5'-TTGGGTATAACAGGCTCTTTCTCTTGCAGCTGGATGACTGTACTCTGCAGCTCTCTCACA[A>G]TGGCGCCTACCTGGATTTGGAGGCCACCCTGGCAGAGCAGCGGGATGAGTTGGAAGGCTT-3'
Protein context (NP_001268669.1, residues 56-76): LDDCTLQLSH[Asn66Ser]GAYLDLEATL

ClinVar aggregate classification (germline): Conflicting classifications of pathogenicity. Review status: criteria provided, conflicting classifications (1 of 4 stars). 3 submissions from 3 submitters: Uncertain significance (2); Likely benign (1). Last evaluated 2025-12-28.

Conditions:
Inborn genetic diseases. Identifiers: MedGen C0950123, MeSH D030342.
FHOD3-related disorder. Also called: FHOD3-related condition.

Allele frequency attached by ClinVar (database versions not stated): gnomAD 0.00002; TOPMed 0.00004; ESP Exome Variant Server 0.00008.
gnomAD v4.1: 44 of 1,614,010 alleles (0.0027%); highest among the groups gnomAD compares: Non-Finnish European, 0.00085%; no homozygotes.

Submissions (3):

PreventionGenetics, part of Exact Sciences
Classification: Likely benign for FHOD3-related condition. Last evaluated: 2025-12-28. Review status: criteria provided, single submitter. Criteria: ACMG Guidelines, 2015. Collection method: clinical testing. Allele origin: germline.
Comment: This variant is classified as likely benign based on ACMG/AMP sequence variant interpretation guidelines (Richards et al. 2015 PMID: 25741868, with internal and published modifications).

Ambry Genetics
Classification: Uncertain significance for Inborn genetic diseases. Last evaluated: 2025-08-09. Review status: criteria provided, single submitter. Criteria: Ambry Variant Classification Scheme 2023. Collection method: clinical testing. Allele origin: germline.

CeGaT Center for Human Genetics Tuebingen
Classification: Uncertain significance. Last evaluated: 2024-03-01. Review status: criteria provided, single submitter. Criteria: CeGaT Center For Human Genetics Tuebingen Variant Classification Criteria Version 2. Collection method: clinical testing. Allele origin: germline. Affected: yes. Observed: 1 variant allele.